The following is an entry in ClinVar:

ClinVar aggregate classification (germline): Uncertain significance. Review status: criteria provided, multiple submitters, no conflicts (2 of 4 stars). 2 submissions from 2 submitters: Uncertain significance (2). Last evaluated 2023-10-13.

Conditions:
Inborn genetic diseases. Identifiers: MedGen C0950123, MeSH D030342.

Allele frequency attached by ClinVar (database versions not stated): TOPMed 0.00002.
gnomAD v4.1: 5 of 1,562,322 alleles (0.00032%); highest among the groups gnomAD compares: East Asian, 0.0072%; no homozygotes.

Submissions (2):

Ambry Genetics
Classification: Uncertain significance for Inborn genetic diseases. Last evaluated: 2023-10-13. Review status: criteria provided, single submitter. Criteria: Ambry Variant Classification Scheme 2023. Collection method: clinical testing. Allele origin: germline.

Labcorp Genetics (formerly Invitae), Labcorp
Classification: Uncertain significance. Last evaluated: 2022-06-26. Review status: criteria provided, single submitter. Criteria: Invitae Variant Classification Sherloc (09022015). Collection method: clinical testing. Allele origin: germline.
Comment: This sequence change replaces proline, which is neutral and non-polar, with arginine, which is basic and polar, at codon 106 of the LAMC3 protein (p.Pro106Arg). This variant is not present in population databases (gnomAD no frequency). This variant has not been reported in the literature in individuals affected with LAMC3-related conditions. Algorithms developed to predict the effect of missense changes on protein structure and function are either unavailable or do not agree on the potential impact of this missense change (SIFT: "Tolerated"; PolyPhen-2: "Probably Damaging"; Align-GVGD: "Class C0"). In summary, the available evidence is currently insufficient to determine the role of this variant in disease. Therefore, it has been classified as a Variant of Uncertain Significance.

NM_006059.4(LAMC3):c.317C>G (p.Pro106Arg)

Gene: LAMC3 (laminin subunit gamma 3; plus strand). Cytogenetic location: 9q34.12.
Variant type: single nucleotide variant.
Coding change: c.317C>G on transcript NM_006059.4 (MANE Select); coding-DNA position 317, C replaced by G.
Protein change: p.Pro106Arg; replaces proline 106 with arginine.
Molecular consequence: missense variant.
Genome position (GRCh38, 1-based): chr9:131,009,531, C>G. VCF-style: chr9-131009531-C-G. GRCh37 (hg19) VCF-style: chr9-133884918-C-G.
Other names: c.317C>G (NM_006059.3); short protein forms P106R.
Identifiers: ClinVar variation 1905596 (VCV001905596.3), dbSNP rs539055472, ClinGen allele CA375250855.